The following is an entry in ClinVar:

ClinVar aggregate classification (germline): Conflicting classifications of pathogenicity. Review status: criteria provided, conflicting classifications (1 of 4 stars). 2 submissions from 2 submitters: Uncertain significance (1); Likely benign (1). Last evaluated 2026-01-20.

Conditions:
LAMA2-related muscular dystrophy (LAMA2-RD). Also called: Laminin alpha 2-related dystrophy. Identifiers: MedGen C5679788, MONDO:0100228.

Allele frequency attached by ClinVar (database versions not stated): TOPMed below 0.00001; gnomAD 0.00004; gnomAD exomes 0.00007 and 0.00015; ExAC 0.00016; 1000 Genomes Project 30x 0.00047; 1000 Genomes Project 0.00060.
gnomAD v4.1: 110 of 1,614,074 alleles (0.0068%); highest among the groups gnomAD compares: South Asian, 0.11%; 1 homozygote.

Submissions (2):

Labcorp Genetics (formerly Invitae), Labcorp
Classification: Likely benign for LAMA2-related muscular dystrophy. Last evaluated: 2026-01-20. Review status: criteria provided, single submitter. Criteria: Invitae Variant Classification Sherloc (09022015). Collection method: clinical testing. Allele origin: germline.

GeneDx
Classification: Uncertain significance. Last evaluated: 2019-11-20. Review status: criteria provided, single submitter. Criteria: GeneDx Variant Classification Process June 2021. Collection method: clinical testing. Allele origin: germline. Affected: yes.
Comment: Has not been previously published as pathogenic or benign to our knowledge; In-silico analysis, which includes splice predictors and evolutionary conservation, is inconclusive as to whether the variant alters gene splicing. In the absence of RNA/functional studies, the actual effect of this sequence change is unknown

NM_000426.4(LAMA2):c.4650T>A (p.Pro1550=)

Gene: LAMA2 (laminin subunit alpha 2; plus strand). Cytogenetic location: 6q22.33.
Variant type: single nucleotide variant.
Coding change: c.4650T>A on transcript NM_000426.4 (MANE Select); coding-DNA position 4650, T replaced by A.
Protein change: p.Pro1550=; no amino-acid change (proline 1550 retained).
Molecular consequence: synonymous variant.
Genome position (GRCh38, 1-based): chr6:129,353,290, T>A. VCF-style: chr6-129353290-T-A. GRCh37 (hg19) VCF-style: chr6-129674435-T-A.
Other names: c.4650T>A, p.Pro1550= (NM_001079823.2).
Identifiers: ClinVar variation 1142287 (VCV001142287.9), dbSNP rs545186322, ClinGen allele CA3993618.